The following is an entry in ClinVar:

ClinVar aggregate classification (germline): Benign. Review status: criteria provided, multiple submitters, no conflicts (2 of 4 stars). 8 submissions from 8 submitters: Benign (6). 2 of the submissions do not count toward it. Last evaluated 2024-11-28.

Conditions:
Palmoplantar keratoderma-esophageal carcinoma syndrome (TOC). Also called: PALMOPLANTAR KERATODERMA WITH ESOPHAGEAL CANCER; KERATOSIS PALMARIS ET PLANTARIS WITH ESOPHAGEAL CANCER; Tylosis with Esophageal Cancer. Identifiers: Orphanet 2198, MedGen C1835664, MONDO:0007856, OMIM 148500.

Allele frequency attached by ClinVar (database versions not stated): TOPMed 0.11824; gnomAD 0.12261 and 0.12775; ESP Exome Variant Server 0.12437; gnomAD exomes 0.14289; 1000 Genomes Project 30x 0.14678; 1000 Genomes Project 0.14976; ExAC 0.15246.
gnomAD v4.1: 218,451 of 1,602,786 alleles (14%); highest among the groups gnomAD compares: South Asian, 24%; 16,120 homozygotes.

Submissions (8):

Blueprint Genetics
Classification: Benign. Last evaluated: 2024-11-28. Review status: criteria provided, single submitter. Criteria: ACMG Guidelines, 2015. Collection method: clinical testing. Allele origin: germline.

KCCC/NGS Laboratory, Kuwait Cancer Control Center
Classification: Benign for Palmoplantar keratoderma-esophageal carcinoma syndrome. Last evaluated: 2023-07-07. Review status: criteria provided, single submitter. Criteria: ACMG Guidelines, 2015. Collection method: clinical testing. Allele origin: germline. Affected: yes.

Genome-Nilou Lab
Classification: Benign for Palmoplantar keratoderma-esophageal carcinoma syndrome. Last evaluated: 2021-11-07. Review status: criteria provided, single submitter. Criteria: ACMG Guidelines, 2015. Collection method: clinical testing. Allele origin: germline. Affected: no.

GeneDx
Classification: Benign. Last evaluated: 2018-11-12. Review status: criteria provided, single submitter. Criteria: GeneDx Variant Classification Process June 2021. Collection method: clinical testing. Allele origin: germline. Affected: yes.

Illumina Laboratory Services, Illumina
Classification: Benign for Palmoplantar keratoderma-esophageal carcinoma syndrome. Last evaluated: 2018-01-12. Review status: criteria provided, single submitter. Criteria: ICSL Variant Classification Criteria 13 December 2019. Collection method: clinical testing. Allele origin: germline.
Comment: This variant was observed in the ICSL laboratory as part of a predisposition screen in an ostensibly healthy population. It had not been previously curated by ICSL or reported in the Human Gene Mutation Database (HGMD: prior to June 1st, 2018), and was therefore a candidate for classification through an automated scoring system. Utilizing variant allele frequency, disease prevalence and penetrance estimates, and inheritance mode, an automated score was calculated to assess if this variant is too frequent to cause the disease. Based on the score and internal cut-off values, a variant classified as benign is not then subjected to further curation. The score for this variant resulted in a classification of benign for this disease.

Breakthrough Genomics
Classification: Benign. Review status: criteria provided, single submitter. Criteria: ACMG Guidelines, 2015. Collection method: not provided. Allele origin: germline. Inheritance: Autosomal dominant inheritance. Affected: yes.

Diagnostic Laboratory, Department of Genetics, University Medical Center Groningen
Classification: Benign. Review status: no assertion criteria provided. Collection method: clinical testing. Allele origin: germline. Affected: yes. Study: VKGL Data-share Consensus. Not counted in ClinVar's aggregate classification.

Joint Genome Diagnostic Labs from Nijmegen and Maastricht, Radboudumc and MUMC+
Classification: Benign. Review status: no assertion criteria provided. Collection method: clinical testing. Allele origin: germline. Affected: yes. Study: VKGL Data-share Consensus. Not counted in ClinVar's aggregate classification.

NM_001005498.4(RHBDF2):c.-14G>A

Gene: RHBDF2 (rhomboid 5 homolog 2; minus strand). Cytogenetic location: 17q25.1.
Variant type: single nucleotide variant.
Coding change: c.-14G>A on transcript NM_001005498.4 (MANE Select); 14 bases upstream of the start codon, G replaced by A.
Molecular consequence: 5 prime UTR variant. On other transcripts: non-coding transcript variant (3).
Genome position (GRCh38, 1-based): chr17:76,481,538, C>T on the plus strand (G>A on the coding strand, the complement: RHBDF2 is on the minus strand). VCF-style: chr17-76481538-C-T. GRCh37 (hg19) VCF-style: chr17-74477620-C-T.
Other names: c.-14G>A (NM_001376228.1, NM_001376229.1, NM_001376230.1 and 1 more transcripts).
Identifiers: ClinVar variation 325469 (VCV000325469.18), dbSNP rs12943385, ClinGen allele CA8787531.